The following is an entry in ClinVar:

Single allele

Gene: NBPF12 (NBPF member 12; plus strand). Cytogenetic location: 1q21.1.
Variant type: single nucleotide variant.
Identifiers: ClinVar variation 2639118 (VCV002639118.19), dbSNP rs1556126053, ClinGen allele CA420569437.

ClinVar aggregate classification (germline): Likely benign (1 of 4 stars; one submission).

Submission:

CeGaT Center for Human Genetics Tuebingen
Classification: Likely benign. Last evaluated: 2024-02-01. Review status: criteria provided, single submitter. Criteria: CeGaT Center For Human Genetics Tuebingen Variant Classification Criteria Version 2. Collection method: clinical testing. Allele origin: germline. Affected: yes. Observed: 3 variant alleles.
Comment: NBPF12: BP4, BP7